The following is an entry in ClinVar:

ClinVar aggregate classification (germline): Pathogenic/Likely pathogenic. Review status: criteria provided, multiple submitters, no conflicts (2 of 4 stars). 5 submissions from 5 submitters: Pathogenic (1); Likely pathogenic (4). Last evaluated 2025-01-16.

Conditions:
Glycogen phosphorylase kinase deficiency. Also called: Phosphorylase Kinase Deficiency; Glycogen Storage Disease Type IX. Identifiers: Orphanet 370, MedGen C0268147, MONDO:0700291.
Glycogen storage disease IXd (GSD9D). Also called: GSD IXd; Muscle Phosphorylase Kinase Deficiency. Identifiers: Orphanet 715, MedGen C1845151, MONDO:0010362, OMIM 300559.

Allele frequency attached by ClinVar (database versions not stated): ExAC 0.00001; gnomAD 0.00003; TOPMed 0.00003; ESP Exome Variant Server 0.00009.
gnomAD v4.1: 16 of 1,188,626 alleles (0.0013%); highest among the groups gnomAD compares: African/African-American, 0.0035%; 1 homozygote.

Submissions (6):

GeneDx
Classification: Pathogenic. Last evaluated: 2025-01-16. Review status: criteria provided, single submitter. Criteria: GeneDx Variant Classification Process June 2021. Collection method: clinical testing. Allele origin: germline. Affected: yes.
Comment: Canonical splice site variant predicted to result in a null allele in a gene for which loss of function is a known mechanism of disease; Has not been previously published as pathogenic or benign to our knowledge; This variant is associated with the following publications: (PMID: 31589614)

Victorian Clinical Genetics Services, Murdoch Childrens Research Institute
Classification: Likely pathogenic for Glycogen storage disease IXd. Last evaluated: 2024-10-09. Review status: criteria provided, single submitter. Criteria: ACMG Guidelines, 2015. Collection method: clinical testing. Allele origin: germline. Inheritance: X-linked recessive inheritance.
Comment: Based on the classification scheme VCGS_Germline_v1.3.4, this variant is classified as Likely pathogenic. Following criteria are met: 0102 - Loss of function is a known mechanism of disease in this gene and is associated with glycogen storage disease IXd (MONDO:0010362). (I) 0109 - This gene is associated with X-linked recessive disease. (I) 0211 - Canonical splice site variant without proven consequence on splicing (no functional evidence available). (SP) 0253 - This variant is hemizygous. (I) 0304 - Variant is present in gnomAD <0.01 for a recessive condition (v3: 3 heterozygotes, 0 homozygotes, 0 hemizygotes). (SP) 0505 - Abnormal splicing is predicted by in silico tools and affected nucleotide is highly conserved. (SP) 0705 - No comparable splice site variants have previous evidence for pathogenicity. (I) 0802 - This variant has moderate previous evidence of pathogenicity in unrelated individuals. It has been reported as pathogenic/likely pathogenic by three clinical laboratories (ClinVar). (SP) 0905 - No published segregation evidence has been identified for this variant. (I) 1007 - No published functional evidence has been identified for this variant. (I) Legend: (SP) - Supporting pathogenic, (I) - Information, (SB) - Supporting benign

Labcorp Genetics (formerly Invitae), Labcorp
Classification: Likely pathogenic for Glycogen storage disease IXd. Last evaluated: 2024-05-02. Review status: criteria provided, single submitter. Criteria: Invitae Variant Classification Sherloc (09022015). Collection method: clinical testing. Allele origin: germline.
Comment: This sequence change affects a donor splice site in intron 23 of the PHKA1 gene. It is expected to disrupt RNA splicing. Variants that disrupt the donor or acceptor splice site typically lead to a loss of protein function (PMID: 16199547), and loss-of-function variants in PHKA1 are known to be pathogenic (PMID: 9731190, 15637709). This variant is present in population databases (rs373517016, gnomAD 0.006%). This variant has not been reported in the literature in individuals affected with PHKA1-related conditions. ClinVar contains an entry for this variant (Variation ID: 452732). Algorithms developed to predict the effect of sequence changes on RNA splicing suggest that this variant may disrupt the consensus splice site. In summary, the currently available evidence indicates that the variant is pathogenic, but additional data are needed to prove that conclusively. Therefore, this variant has been classified as Likely Pathogenic.

Women's Health and Genetics/Laboratory Corporation of America, LabCorp
Classification: Likely pathogenic for Glycogen phosphorylase kinase deficiency. Last evaluated: 2023-06-26. Review status: criteria provided, single submitter. Criteria: LabCorp Variant Classification Summary - May 2015. Collection method: clinical testing. Allele origin: germline.
Comment: Variant summary: PHKA1 c.2606+1G>A is located in a canonical splice-site and is predicted to affect mRNA splicing resulting in a significantly altered protein due to either exon skipping, shortening, or inclusion of intronic material. Three of three computational tools predict the variant has a significant impact on normal splicing by abolishing a canonical 5' splicing donor site. However, these predictions have yet to be confirmed by functional studies. The variant was absent in 183177 control chromosomes (gnomAD). To our knowledge, no occurrence of c.2606+1G>A in individuals affected with Glycogen Phosphorylase Kinase Deficiency and no experimental evidence demonstrating its impact on protein function have been reported. One submitter has provided a clinical-significance assessment for this variant to ClinVar after 2014 and has classified the variant as pathogenic. Based on the evidence outlined above, the variant was classified as likely pathogenic.

Juno Genomics, Hangzhou Juno Genomics, Inc
Classification: Likely pathogenic for Glycogen storage disease IXd. Review status: criteria provided, single submitter. Criteria: ACMG Guidelines, 2015. Collection method: clinical testing. Allele origin: germline.
Comment: Null variant in a gene where loss of function (LOF) is a known mechanism of disease.;Absent from controls (or at extremely low frequency if recessive) in Genome Aggregation Database.

Dr. Peter K. Rogan Lab, Western University
No classification provided (evidence only). Condition: Thyroid cancer, nonmedullary, 1. Review status: no classification provided. Collection method: in vitro. Allele origin: not applicable. Functional consequence: retained intron. Not counted in ClinVar's aggregate classification.

Literature cited by the submitters: PubMed 16199547 (cited by Labcorp Genetics (formerly Invitae), Labcorp); PubMed 9731190 (cited by Labcorp Genetics (formerly Invitae), Labcorp); PubMed 15637709 (cited by Labcorp Genetics (formerly Invitae), Labcorp).

NM_002637.4(PHKA1):c.2606+1G>A

Gene: PHKA1 (phosphorylase kinase regulatory subunit alpha 1; minus strand). Cytogenetic location: Xq13.1.
Variant type: single nucleotide variant.
Coding change: c.2606+1G>A on transcript NM_002637.4 (MANE Select); the canonical splice donor site of the intron after coding-DNA position 2606, G replaced by A.
Molecular consequence: splice donor variant.
Genome position (GRCh38, 1-based): chrX:72,609,623, C>T on the plus strand (G>A on the coding strand, the complement: PHKA1 is on the minus strand). VCF-style: chrX-72609623-C-T. GRCh37 (hg19) VCF-style: chrX-71829473-C-T.
Other names: c.2429+1G>A (NM_001172436.2); c.2606+1G>A (NM_001122670.2).
Identifiers: ClinVar variation 452732 (VCV000452732.11), dbSNP rs373517016, ClinGen allele CA10450653.